The following is an entry in ClinVar:

ClinVar aggregate classification (germline): Uncertain significance (1 of 4 stars; one submission).

Conditions:
Cardiovascular phenotype. Identifiers: MedGen CN230736.

Submission:

Ambry Genetics
Classification: Uncertain significance for Cardiovascular phenotype. Last evaluated: 2020-12-15. Review status: criteria provided, single submitter. Criteria: Ambry Variant Classification Scheme 2023. Collection method: clinical testing. Allele origin: germline.
Comment: The c.7620C>A (p.H2540Q) alteration is located in exon 50 (coding exon 50) of the RYR2 gene. This alteration results from a C to A substitution at nucleotide position 7620, causing the histidine (H) at amino acid position 2540 to be replaced by a glutamine (Q). The p.H2540Q alteration is predicted to be tolerated by in silico analysis. Based on insufficient or conflicting evidence, the clinical significance of this alteration remains unclear.

NM_001035.3(RYR2):c.7620C>A (p.His2540Gln)

Gene: RYR2 (ryanodine receptor 2; plus strand). Cytogenetic location: 1q43.
Variant type: single nucleotide variant.
Coding change: c.7620C>A on transcript NM_001035.3 (MANE Select); coding-DNA position 7620, C replaced by A.
Protein change: p.His2540Gln; replaces histidine 2540 with glutamine.
Molecular consequence: missense variant.
Genome position (GRCh38, 1-based): chr1:237,649,984, C>A. VCF-style: chr1-237649984-C-A. GRCh37 (hg19) VCF-style: chr1-237813284-C-A.
Other names: short protein forms H2540Q.
Identifiers: ClinVar variation 2228327 (VCV002228327.2), dbSNP rs1682567291, ClinGen allele CA345399204.